The following is an entry in ClinVar:

ClinVar aggregate classification (germline): Uncertain significance (1 of 4 stars; one submission).

Conditions:
Cardiac arrhythmia. Also called: Arrhythmia; Cardiac rhythm disease. Identifiers: MedGen C0003811, MONDO:0007263, HP:0011675.

Submission:

Color Diagnostics, LLC DBA Color Health
Classification: Uncertain significance for Cardiac arrhythmia. Last evaluated: 2023-05-31. Review status: criteria provided, single submitter. Criteria: ACMG Guidelines, 2015. Collection method: clinical testing. Allele origin: germline.
Comment: This missense variant replaces leucine with valine at codon 1023 of the KCNH2 protein. Computational prediction is inconclusive regarding the impact of this variant on protein structure and function (internally defined REVEL score threshold 0.5 < inconclusive < 0.7, PMID: 27666373). To our knowledge, functional studies have not been reported for this variant. This variant has been reported in an individual affected with long QT syndrome (PMID: 34546463). This variant has not been identified in the general population by the Genome Aggregation Database (gnomAD). The available evidence is insufficient to determine the role of this variant in disease conclusively. Therefore, this variant is classified as a Variant of Uncertain Significance.

Literature cited by the submitters: PubMed 34546463.

NM_000238.4(KCNH2):c.3067C>G (p.Leu1023Val)

Gene: KCNH2 (potassium voltage-gated channel subfamily H member 2; minus strand). Cytogenetic location: 7q36.1.
Variant type: single nucleotide variant.
Coding change: c.3067C>G on transcript NM_000238.4 (MANE Select); coding-DNA position 3067, C replaced by G.
Protein change: p.Leu1023Val; replaces leucine 1023 with valine.
Molecular consequence: missense variant. On other transcripts: non-coding transcript variant (2).
Genome position (GRCh38, 1-based): chr7:150,947,413, G>C on the plus strand (C>G on the coding strand, the complement: KCNH2 is on the minus strand). VCF-style: chr7-150947413-G-C. GRCh37 (hg19) VCF-style: chr7-150644501-G-C.
Other names: c.2779C>G, p.Leu927Val (NM_001406753.1); c.2047C>G, p.Leu683Val (NM_172057.3); short protein forms L1023V, L927V, L683V.
Identifiers: ClinVar variation 2773417 (VCV002773417.2), dbSNP rs2486004579, ClinGen allele CA369852757.